The following is an entry in ClinVar:

NM_003737.4(DCHS1):c.7436C>T (p.Ala2479Val)

Gene: DCHS1 (dachsous cadherin-related 1; minus strand). Cytogenetic location: 11p15.4.
Variant type: single nucleotide variant.
Coding change: c.7436C>T on transcript NM_003737.4 (MANE Select); coding-DNA position 7436, C replaced by T.
Protein change: p.Ala2479Val; replaces alanine 2479 with valine.
Molecular consequence: missense variant.
Genome position (GRCh38, 1-based): chr11:6,624,240, G>A on the plus strand (C>T on the coding strand, the complement: DCHS1 is on the minus strand). VCF-style: chr11-6624240-G-A. GRCh37 (hg19) VCF-style: chr11-6645471-G-A.
Other names: short protein forms A2479V.
Identifiers: ClinVar variation 2792981 (VCV002792981.3), dbSNP rs2493813116, ClinGen allele CA379483081.

ClinVar aggregate classification (germline): Uncertain significance (1 of 4 stars; one submission).

Submission:

Labcorp Genetics (formerly Invitae), Labcorp
Classification: Uncertain significance. Last evaluated: 2023-02-19. Review status: criteria provided, single submitter. Criteria: Invitae Variant Classification Sherloc (09022015). Collection method: clinical testing. Allele origin: germline.
Comment: This variant has not been reported in the literature in individuals affected with DCHS1-related conditions. In summary, the available evidence is currently insufficient to determine the role of this variant in disease. Therefore, it has been classified as a Variant of Uncertain Significance. Advanced modeling of protein sequence and biophysical properties (such as structural, functional, and spatial information, amino acid conservation, physicochemical variation, residue mobility, and thermodynamic stability) performed at Invitae indicates that this missense variant is not expected to disrupt DCHS1 protein function. This variant is not present in population databases (gnomAD no frequency). This sequence change replaces alanine, which is neutral and non-polar, with valine, which is neutral and non-polar, at codon 2479 of the DCHS1 protein (p.Ala2479Val).